The following is an entry in ClinVar:

NM_001042492.3(NF1):c.7458-1_7459delinsTTT

Gene: NF1 (neurofibromin 1; plus strand). Cytogenetic location: 17q11.2.
Variant type: Indel.
Coding change: c.7458-1_7459delinsTTT on transcript NM_001042492.3 (MANE Select); the canonical splice acceptor site of the intron before coding-DNA position 7458 through coding-DNA position 7459, GGA replaced by TTT.
Molecular consequence: splice acceptor variant.
Genome position (GRCh38, 1-based): chr17:31,352,256-31,352,258, GGA replaced by TTT. VCF-style: chr17-31352256-GGA-TTT. GRCh37 (hg19) VCF-style: chr17-29679274-GGA-TTT.
Other names: c.7395-1_7396delinsTTT (NM_000267.4).
Identifiers: ClinVar variation 1453944 (VCV001453944.6), dbSNP rs2151576885, ClinGen allele CA2573153842.
Genomic context (GRCh38, chr17:31,352,256, plus strand): 5'-AAACGATGGTTGTATTTGTCACCATATTAATTGATTTTTCTCTATTGTTTTCATCTTTCA[GGA>TTT]CACTAAAGGAGACTCAGCCATGGTCCTCTCCCAAAGGTTCTGAAGGATACCTTGCAGCCA-3'

ClinVar aggregate classification (germline): Pathogenic (1 of 4 stars; one submission).

Conditions:
Neurofibromatosis, type 1 (NF1). Also called: Neurofibromatosis, type I; VON RECKLINGHAUSEN DISEASE; NEUROFIBROMATOSIS, TYPE I, SOMATIC; Peripheral type neurofibromatosis. Identifiers: Orphanet 636, MedGen C0027831, MONDO:0018975, OMIM 162200. Disease mechanism: loss of function.

Submission:

Labcorp Genetics (formerly Invitae), Labcorp
Classification: Pathogenic for Neurofibromatosis, type 1. Last evaluated: 2021-08-03. Review status: criteria provided, single submitter. Criteria: Invitae Variant Classification Sherloc (09022015). Collection method: clinical testing. Allele origin: germline.
Comment: This sequence change affects a splice site in intron 49 of the NF1 gene. It is expected to disrupt RNA splicing. Variants that disrupt the donor or acceptor splice site typically lead to a loss of protein function (PMID: 16199547), and loss-of-function variants in NF1 are known to be pathogenic (PMID: 10712197, 23913538). This variant is not present in population databases (ExAC no frequency). Disruption of this splice site has been observed in individual(s) with neurofibromatosis 1 (PMID: 10712197, 31533651). Algorithms developed to predict the effect of sequence changes on RNA splicing suggest that this variant may disrupt the consensus splice site. For these reasons, this variant has been classified as Pathogenic.

Literature cited by the submitters: PubMed 16199547; PubMed 10712197; PubMed 23913538; PubMed 31533651.